The following is an entry in ClinVar:

ClinVar aggregate classification (germline): Uncertain significance (1 of 4 stars; one submission).

Conditions:
TH-deficient dopa-responsive dystonia. Also called: DYT-TH; Tyrosine Hydroxylase-Deficient Dopa-Responsive Dystonia; Segawa syndrome, autosomal recessive. Identifiers: Orphanet 101150, MedGen C2673535, MONDO:0011551, OMIM 605407.

Submission:

Labcorp Genetics (formerly Invitae), Labcorp
Classification: Uncertain significance for TH-deficient dopa-responsive dystonia. Last evaluated: 2020-03-09. Review status: criteria provided, single submitter. Criteria: Invitae Variant Classification Sherloc (09022015). Collection method: clinical testing. Allele origin: germline.
Comment: In summary, the available evidence is currently insufficient to determine the role of this variant in disease. Therefore, it has been classified as a Variant of Uncertain Significance. Experimental studies and prediction algorithms are not available or were not evaluated, and the functional significance of this variant is currently unknown. This variant has not been reported in the literature in individuals with TH-related conditions. This variant is not present in population databases (ExAC no frequency). This variant, c.494_505del, results in the deletion of 4 amino acid(s) of the TH protein (p.Leu165_Arg168del), but otherwise preserves the integrity of the reading frame.

NM_000360.4(TH):c.401_412del (p.Leu134_Arg137del)

Gene: TH (tyrosine hydroxylase; minus strand). Cytogenetic location: 11p15.5.
Variant type: Deletion.
Coding change: c.401_412del on transcript NM_000360.4 (MANE Select); coding-DNA positions 401 to 412, 12 bases deleted (TCGAGGTGCGCC).
Protein change: p.Leu134_Arg137del.
Molecular consequence: inframe deletion.
Genome position (GRCh38, 1-based): chr11:2,168,566-2,168,577, GGCGCACCTCGA deleted on the plus strand (TCGAGGTGCGCC on the coding strand, the reverse complement: TH is on the minus strand); deleting any 12 consecutive bases within chr11:2,168,566-2,168,584 gives the same sequence; the c. name uses the placement nearest the transcript's 3' end. VCF-style (leftmost placement, unchanged base first): chr11-2168565-CGGCGCACCTCGA-C. GRCh37 (hg19) VCF-style: chr11-2189795-CGGCGCACCTCGA-C.
Other names: c.494_505del, p.Leu165_Arg168del (NM_199292.3); c.482_493del, p.Leu161_Arg164del (NM_199293.3).
Identifiers: ClinVar variation 1021791 (VCV001021791.7), dbSNP rs1846165944, ClinGen allele CA1948008304.
Genomic context (GRCh38, chr11:2,168,565, plus strand): 5'-GGGCTGCGCACGTCCTCTGACACCTGGCGCACACCACTGAGCAGGGCGGCCAGGTCCCCT[CGGCGCACCTCGA>C]GGCGCACGAAGTACTCCAGGTGGGGGCCCCCAGCTCGCGGCCTCTGGGCGGGCCGGGTCT-3'